The following is an entry in ClinVar:

NM_014008.5(CCDC22):c.1109G>A (p.Arg370Gln)

Gene: CCDC22 (CCC complex scaffolding subunit CCDC22; plus strand). Cytogenetic location: Xp11.23.
Variant type: single nucleotide variant.
Coding change: c.1109G>A on transcript NM_014008.5 (MANE Select); coding-DNA position 1109, G replaced by A.
Protein change: p.Arg370Gln; replaces arginine 370 with glutamine.
Molecular consequence: missense variant.
Genome position (GRCh38, 1-based): chrX:49,248,207, G>A. VCF-style: chrX-49248207-G-A. GRCh37 (hg19) VCF-style: chrX-49104668-G-A.
Other names: short protein forms R370Q.
Identifiers: ClinVar variation 3828564 (VCV003828564.7).
Genomic context (GRCh38, chrX:49,248,207, plus strand): 5'-GCTCCATGGGGGCTGTGGCATGTGACTGGGTATCCACCGGCCAGGCAGAGTCTGAGTGCC[G>A]GCACAGCAAGCTCAGTACAGCAGAGCGTGAGCAGGCCCTGCGCCTGAAGAGCCGCGCGGT-3'
Protein context (NP_054727.1, residues 360-380): VSFVQAESEC[Arg370Gln]HSKLSTAERE

ClinVar aggregate classification (germline): Conflicting classifications of pathogenicity. Review status: criteria provided, conflicting classifications (1 of 4 stars). 2 submissions from 2 submitters: Uncertain significance (1); Likely benign (1). Last evaluated 2025-10-01.

gnomAD v4.1: 132 of 1,201,705 alleles (0.011%); highest among the groups gnomAD compares: Non-Finnish European, 0.012%; no homozygotes.

Submissions (2):

CeGaT Center for Human Genetics Tuebingen
Classification: Likely benign. Last evaluated: 2025-10-01. Review status: criteria provided, single submitter. Criteria: CeGaT Center For Human Genetics Tuebingen Variant Classification Criteria Version 2. Collection method: clinical testing. Allele origin: germline. Affected: yes. Observed: 1 variant allele.
Comment: CCDC22: BP4, BS2

Ambry Genetics
Classification: Uncertain significance. Last evaluated: 2025-03-03. Review status: criteria provided, single submitter. Criteria: Ambry Variant Classification Scheme 2023. Collection method: clinical testing. Allele origin: germline.